The following is an entry in ClinVar:

NM_000051.4(ATM):c.629T>C (p.Leu210Ser)

Gene: ATM (ATM serine/threonine kinase; plus strand). Cytogenetic location: 11q22.3.
Variant type: single nucleotide variant.
Coding change: c.629T>C on transcript NM_000051.4 (MANE Select); coding-DNA position 629, T replaced by C.
Protein change: p.Leu210Ser; replaces leucine 210 with serine.
Molecular consequence: missense variant.
Genome position (GRCh38, 1-based): chr11:108,244,085, T>C. VCF-style: chr11-108244085-T-C. GRCh37 (hg19) VCF-style: chr11-108114812-T-C.
Other names: c.629T>C, p.Leu210Ser (NM_001351834.2); short protein forms L210S.
Identifiers: ClinVar variation 1037705 (VCV001037705.9), dbSNP rs2079706543, ClinGen allele CA382528353.

ClinVar aggregate classification (germline): Uncertain significance (1 of 4 stars; one submission).

Conditions:
Ataxia-telangiectasia syndrome (AT). Also called: Ataxia-telangiectasia, complementation group D; ATAXIA-TELANGIECTASIA, COMPLEMENTATION GROUP A; ATAXIA-TELANGIECTASIA, FRESNO VARIANT; Ataxia-telangiectasia; Ataxia-telangiectasia, complementation group E; LOUIS-BAR SYNDROME. Identifiers: Orphanet 100, MedGen C0004135, MONDO:0008840, OMIM 208900.

Submission:

Labcorp Genetics (formerly Invitae), Labcorp
Classification: Uncertain significance for Ataxia-telangiectasia syndrome. Last evaluated: 2020-02-05. Review status: criteria provided, single submitter. Criteria: Invitae Variant Classification Sherloc (09022015). Collection method: clinical testing. Allele origin: germline.
Comment: In summary, the available evidence is currently insufficient to determine the role of this variant in disease. Therefore, it has been classified as a Variant of Uncertain Significance. This sequence change replaces leucine with serine at codon 210 of the ATM protein (p.Leu210Ser). The leucine residue is weakly conserved and there is a large physicochemical difference between leucine and serine. This variant is not present in population databases (ExAC no frequency). This variant has not been reported in the literature in individuals with ATM-related conditions. Algorithms developed to predict the effect of missense changes on protein structure and function (SIFT, PolyPhen-2, Align-GVGD) all suggest that this variant is likely to be disruptive, but these predictions have not been confirmed by published functional studies and their clinical significance is uncertain.